The following is an entry in ClinVar:

ClinVar aggregate classification (germline): Likely pathogenic. Review status: criteria provided, multiple submitters, no conflicts (2 of 4 stars). 2 submissions from 2 submitters: Likely pathogenic (2). Last evaluated 2024-04-16.

Conditions:
Marfan syndrome (MFS). Also called: MARFAN SYNDROME, TYPE I; Marfan syndrome type 1; Marfan's syndrome; Marfan syndrome, classic; FBN1-Related Marfan Syndrome. Identifiers: Orphanet 284963, Orphanet 558, MedGen C0024796, MONDO:0007947, OMIM 154700.
Familial thoracic aortic aneurysm and aortic dissection (TAAD). Also called: Thoracic aortic aneurysms and dissections. Identifiers: Orphanet 91387, MedGen C4707243, MONDO:0019625.

Submissions (2):

Labcorp Genetics (formerly Invitae), Labcorp
Classification: Likely pathogenic for Marfan syndrome; Familial thoracic aortic aneurysm and aortic dissection. Last evaluated: 2024-04-16. Review status: criteria provided, single submitter. Criteria: Invitae Variant Classification Sherloc (09022015). Collection method: clinical testing. Allele origin: germline.
Comment: This sequence change replaces cysteine, which is neutral and slightly polar, with tyrosine, which is neutral and polar, at codon 154 of the FBN1 protein (p.Cys154Tyr). This variant is not present in population databases (gnomAD no frequency). This missense change has been observed in individual(s) with Marfan syndrome (Invitae). Advanced modeling of protein sequence and biophysical properties (such as structural, functional, and spatial information, amino acid conservation, physicochemical variation, residue mobility, and thermodynamic stability) performed at Invitae indicates that this missense variant is expected to disrupt FBN1 protein function with a positive predictive value of 95%. This variant affects a cysteine residue in the EGF-like, TGFBP or hybrid motif domains of FBN1. Cysteine residues are believed to be involved in intramolecular disulfide bridges and have been shown to be important for FBN1 protein structure (PMID: 16905551, 19349279). In addition, missense substitutions affecting cysteine residues within these domains are significantly overrepresented among patients with Marfan syndrome (PMID: 16571647, 17701892). In summary, the currently available evidence indicates that the variant is pathogenic, but additional data are needed to prove that conclusively. Therefore, this variant has been classified as Likely Pathogenic.

Clinical Genetics Laboratory, Skane University Hospital Lund
Classification: Likely pathogenic. Last evaluated: 2023-04-25. Review status: criteria provided, single submitter. Criteria: ACMG Guidelines, 2015. Collection method: clinical testing. Allele origin: germline. Affected: yes.

Literature cited by the submitters: PubMed 16905551 (cited by Labcorp Genetics (formerly Invitae), Labcorp); PubMed 19349279 (cited by Labcorp Genetics (formerly Invitae), Labcorp); PubMed 16571647 (cited by Labcorp Genetics (formerly Invitae), Labcorp); PubMed 17701892 (cited by Labcorp Genetics (formerly Invitae), Labcorp).

NM_000138.5(FBN1):c.461G>A (p.Cys154Tyr)

Gene: FBN1 (fibrillin 1; minus strand). Cytogenetic location: 15q21.1.
Variant type: single nucleotide variant.
Coding change: c.461G>A on transcript NM_000138.5 (MANE Select); coding-DNA position 461, G replaced by A.
Protein change: p.Cys154Tyr; replaces cysteine 154 with tyrosine.
Molecular consequence: missense variant.
Genome position (GRCh38, 1-based): chr15:48,596,360, C>T on the plus strand (G>A on the coding strand, the complement: FBN1 is on the minus strand). VCF-style: chr15-48596360-C-T. GRCh37 (hg19) VCF-style: chr15-48888557-C-T.
Other names: c.461G>A, p.Cys154Tyr (NM_001406716.1, NM_001406717.1); short protein forms C154Y.
Identifiers: ClinVar variation 2921339 (VCV002921339.4), dbSNP rs1057521103, ClinGen allele CA392446379.
Genomic context (GRCh38, chr15:48,596,360, plus strand): 5'-CCAGTAAATCCGTAAGTGCATGCACATCGATTTGGGGCCACACACCTTCCTCCATTGAGA[C>T]AGCCACTTTCACAAACAGCTGTAAAATAAGGAGAGAGCTGAGACGCTTTACCTGAAAATA-3'
Protein context (NP_000129.3, residues 144-164): HCGQPVCESG[Cys154Tyr]LNGGRCVAPN